The following is an entry in ClinVar:

ClinVar aggregate classification (germline): Uncertain significance (1 of 4 stars; one submission).

Conditions:
Hereditary cancer-predisposing syndrome. Also called: Tumor predisposition; Hereditary Cancer Syndrome; Neoplastic Syndromes, Hereditary; Hereditary neoplastic syndrome. Identifiers: Orphanet 140162, MedGen C0027672, MeSH D009386, MONDO:0015356.

Submission:

Color Diagnostics, LLC DBA Color Health
Classification: Uncertain significance for Hereditary cancer-predisposing syndrome. Last evaluated: 2025-08-14. Review status: criteria provided, single submitter. Criteria: ACMG Guidelines, 2015. Collection method: clinical testing. Allele origin: germline.
Comment: This missense variant replaces leucine with arginine at codon 759 of the BRCA2 protein. Computational prediction suggests that this variant may not impact protein structure and function. To our knowledge, functional studies have not been reported for this variant. This variant has not been reported in individuals affected with BRCA2-related disorders in the literature. This variant has not been identified in the general population by the Genome Aggregation Database (gnomAD). The available evidence is insufficient to determine the role of this variant in disease conclusively. Therefore, this variant is classified as a Variant of Uncertain Significance.

NM_000059.4(BRCA2):c.2276T>G (p.Leu759Arg)

Gene: BRCA2 (BRCA2 DNA repair associated; plus strand). Cytogenetic location: 13q13.1.
Variant type: single nucleotide variant.
Coding change: c.2276T>G on transcript NM_000059.4 (MANE Select); coding-DNA position 2276, T replaced by G.
Protein change: p.Leu759Arg; replaces leucine 759 with arginine.
Molecular consequence: missense variant. On other transcripts: non-coding transcript variant (1), intron variant (2).
Genome position (GRCh38, 1-based): chr13:32,336,631, T>G. VCF-style: chr13-32336631-T-G. GRCh37 (hg19) VCF-style: chr13-32910768-T-G.
Other names: c.2276T>G, p.Leu759Arg (NM_001406719.1, NM_001406720.1, NM_001432077.1); c.1909+3244T>G (NM_001406721.1); c.424+5601T>G (NM_001406722.1); short protein forms L759R.
Identifiers: ClinVar variation 4756177 (VCV004756177.1).